The following is an entry in ClinVar:

ClinVar aggregate classification (germline): Pathogenic/Likely pathogenic. Review status: criteria provided, multiple submitters, no conflicts (2 of 4 stars). 7 submissions from 7 submitters: Pathogenic (4); Likely pathogenic (2). 1 of the submissions does not count toward it. Last evaluated 2026-01-23.

Conditions:
Retinal dystrophy. Also called: Inherited retinal dystrophy. Identifiers: Orphanet 71862, MedGen C0854723, MeSH D058499, MONDO:0019118, HP:0000556.
BEST1-related disorder. Also called: BEST1-related condition; BEST1-related disorders. Identifiers: MedGen CN239200.
Autosomal recessive bestrophinopathy. Also called: Autosomal Recessive Bestrophinopathy (ARB). Identifiers: Orphanet 139455, MedGen C3888198, MONDO:0012733, OMIM 611809.

Allele frequency attached by ClinVar (database versions not stated): TOPMed 0.00005; gnomAD exomes 0.00006 and 0.00003; ExAC below 0.00001; gnomAD 0.00001.
gnomAD v4.1: 84 of 1,550,514 alleles (0.0054%); highest among the groups gnomAD compares: Non-Finnish European, 0.0069%; no homozygotes.

Submissions (7):

Labcorp Genetics (formerly Invitae), Labcorp
Classification: Pathogenic. Last evaluated: 2026-01-23. Review status: criteria provided, single submitter. Criteria: Invitae Variant Classification Sherloc (09022015). Collection method: clinical testing. Allele origin: germline.
Comment: This sequence change replaces leucine, which is neutral and non-polar, with valine, which is neutral and non-polar, at codon 134 of the BEST1 protein (p.Leu134Val). This variant is present in population databases (rs753614067, gnomAD 0.008%). This missense change has been observed in individuals with autosomal recessive bestrophinopathy (PMID: 29507198, 32239196, 33302512). This variant has been reported in individual(s) with autosomal dominant Best vitelliform macular dystrophy (PMID: 17287362); however, the role of the variant in this condition is currently unclear. ClinVar contains an entry for this variant (Variation ID: 427886). Invitae Evidence Modeling of protein sequence and biophysical properties (such as structural, functional, and spatial information, amino acid conservation, physicochemical variation, residue mobility, and thermodynamic stability) indicates that this missense variant is expected to disrupt BEST1 protein function with a positive predictive value of 95%. For these reasons, this variant has been classified as Pathogenic.

Institute of Medical Genetics and Applied Genomics, University Hospital Tübingen
Classification: Pathogenic for Autosomal recessive bestrophinopathy. Last evaluated: 2025-09-24. Review status: criteria provided, single submitter. Criteria: ACMG Guidelines, 2015. Collection method: clinical testing. Allele origin: germline. Inheritance: Autosomal recessive inheritance. Affected: yes.

Blueprint Genetics
Classification: Pathogenic for BEST1-related disorders. Last evaluated: 2024-10-31. Review status: criteria provided, single submitter. Criteria: ACMG Guidelines, 2015. Collection method: clinical testing. Allele origin: germline. Affected: yes. Observed: 5 variant alleles.

Institute of Human Genetics, Univ. Regensburg, Univ. Regensburg
Classification: Likely pathogenic for Retinal dystrophy. Last evaluated: 2023-01-01. Review status: criteria provided, single submitter. Criteria: ACMG Guidelines, 2015. Collection method: clinical testing. Allele origin: germline. Affected: yes.

Sydney Genome Diagnostics, Children's Hospital Westmead
Classification: Likely pathogenic for Autosomal recessive bestrophinopathy. Last evaluated: 2022-03-28. Review status: criteria provided, single submitter. Criteria: ACMG Guidelines, 2015. Collection method: clinical testing. Allele origin: germline.
Comment: This variant has been reported in the gnomAD v2.1.1 browser (accessed: 28/03/2022) with a very low allele frequency of 0.003% (5 out of 150,438 alleles). All five individuals in gnomAD are heterozygous for the variant, there are no individuals in gnomAD that are homozygous for this variant. This variant has been previously reported in multiple individuals with autosomal recessive bestrophinopathy as either a homozygous variant or in compound heterozygosity with other disease-causing BEST1 variants (Nowomiejska et al 2021 PMID: 34327816; Hufendiek et al 2020 PMID: 33302512; Shah et al 2020 PMID: 32239196; Deak et al 2019 PMID: 29215532; Guziewicz et al 2018 PMID: 29507198). In silico analysis of pathogenicity (through Alamut Visual v2.13) using PolyPhen2, SIFT and MutationTaster is inconclusive regarding this change; PolyPhen2 and MutationTaster predict the variant to be deleterious to the protein, whereas SIFT predicts the variant to be tolerated. This variant is considered to be likely pathogenic according to the ACMG guidelines (Evidence used: PM2, PM3_strong, PP4).

CeGaT Center for Human Genetics Tuebingen
Classification: Pathogenic. Last evaluated: 2017-07-01. Review status: criteria provided, single submitter. Criteria: CeGaT Center For Human Genetics Tuebingen Variant Classification Criteria Version 2. Collection method: clinical testing. Allele origin: germline. Affected: yes. Observed: 1 variant allele.

Laboratorio de Imunogenetica e Histocompatibilidade, Universidade Federal do Parana
Classification: Pathogenic for Autosomal recessive bestrophinopathy. Last evaluated: 2015-01-25. Review status: no assertion criteria provided. Collection method: research. Allele origin: germline. Inheritance: Autosomal recessive inheritance. Affected: yes. Observed: 1 variant allele, 1 compound heterozygote. Not counted in ClinVar's aggregate classification.
Comment: The variant c.400C>G together with c.422G>A believed be causative of Bestrophinopathy autossomic recessive (BAR). It was first related of this combination of the two variants related to BAR.

Literature cited by the submitters: PubMed 29507198 (cited by Labcorp Genetics (formerly Invitae), Labcorp and Sydney Genome Diagnostics, Children's Hospital Westmead); PubMed 32239196 (cited by 3 submitters); PubMed 33302512 (cited by 3 submitters); PubMed 17287362 (cited by Labcorp Genetics (formerly Invitae), Labcorp and Institute of Human Genetics, Univ. Regensburg, Univ. Regensburg); PubMed 32531858 (cited by Institute of Human Genetics, Univ. Regensburg, Univ. Regensburg); PubMed 34327816 (cited by Institute of Human Genetics, Univ. Regensburg, Univ. Regensburg and Sydney Genome Diagnostics, Children's Hospital Westmead); PubMed 35119454 (cited by Institute of Human Genetics, Univ. Regensburg, Univ. Regensburg); PubMed 29215532 (cited by Sydney Genome Diagnostics, Children's Hospital Westmead).

NM_004183.4(BEST1):c.400C>G (p.Leu134Val)

Genes: BEST1 (bestrophin 1; plus strand), FTH1 (ferritin heavy chain 1; minus strand). Cytogenetic location: 11q12.3.
Variant type: single nucleotide variant.
Coding change: c.400C>G on transcript NM_004183.4 (MANE Select); coding-DNA position 400, C replaced by G.
Protein change: p.Leu134Val; replaces leucine 134 with valine.
Molecular consequence: missense variant. On other transcripts: non-coding transcript variant (1).
Genome position (GRCh38, 1-based): chr11:61,955,870, C>G. VCF-style: chr11-61955870-C-G. GRCh37 (hg19) VCF-style: chr11-61723342-C-G.
Other names: c.220C>G, p.Leu74Val (NM_001139443.3, NM_001300786.2, NM_001300787.2); c.82C>G, p.Leu28Val (NM_001363591.3); c.400C>G, p.Leu134Val (NM_001363592.2); c.-776C>G (NM_001363593.3); short protein forms L134V, L28V, L74V.
Identifiers: ClinVar variation 427886 (VCV000427886.52), dbSNP rs753614067, ClinGen allele CA6040750.
Genomic context (GRCh38, chr11:61,955,870, plus strand): 5'-GTCGAAGGCAAGGACGAGCAAGGCCGGCTGCTGCGGCGCACGCTCATCCGCTACGCCAAC[C>G]TGGGCAACGTGCTCATCCTGCGCAGCGTCAGCACCGCAGTCTACAAGCGCTTCCCCAGCG-3'
Protein context (NP_004174.1, residues 124-144): LRRTLIRYAN[Leu134Val]GNVLILRSVS